The following is an entry in ClinVar:

ClinVar aggregate classification (germline): Uncertain significance (1 of 4 stars; one submission).

Conditions:
F13A1-related disorder. Also called: F13A1-related condition.

Submission:

PreventionGenetics, part of Exact Sciences
Classification: Uncertain significance for F13A1-related condition. Last evaluated: 2026-01-13. Review status: criteria provided, single submitter. Criteria: ACMG Guidelines, 2015. Collection method: clinical testing. Allele origin: germline.
Comment: The F13A1 c.2054G>A variant is predicted to result in the amino acid substitution p.Arg685Gln. To our knowledge, this variant has not been reported in the literature. This variant is reported in 0.060% of alleles in individuals of African descent in gnomAD. At this time, the clinical significance of this variant is uncertain due to the absence of conclusive functional and genetic evidence.

NM_000129.4(F13A1):c.2054G>A (p.Arg685Gln)

Gene: F13A1 (coagulation factor XIII A chain; minus strand). Cytogenetic location: 6p25.1.
Variant type: single nucleotide variant.
Coding change: c.2054G>A on transcript NM_000129.4 (MANE Select); coding-DNA position 2054, G replaced by A.
Protein change: p.Arg685Gln; replaces arginine 685 with glutamine.
Molecular consequence: missense variant.
Genome position (GRCh38, 1-based): chr6:6,145,764, C>T on the plus strand (G>A on the coding strand, the complement: F13A1 is on the minus strand). VCF-style: chr6-6145764-C-T. GRCh37 (hg19) VCF-style: chr6-6145997-C-T.
Other names: short protein forms R685Q.
Identifiers: ClinVar variation 4987215 (VCV004987215.1).
Genomic context (GRCh38, chr6:6,145,764, plus strand): 5'-TTCCGATGCCCAGAGACCCAGGGCCGGCACACTTCTTCCCACTGCACGGTGGAGTTGGGC[C>T]GGATTTCACTGAAAGGATGGAAAAGAGAGGAGAGGTTGGAAGATCCAGCTTTCCACTTTG-3'
Protein context (NP_000120.2, residues 675-695): RPMKKMFREI[Arg685Gln]PNSTVQWEEV